The following is an entry in ClinVar:

ClinVar aggregate classification (germline): Uncertain significance. Review status: criteria provided, multiple submitters, no conflicts (2 of 4 stars). 2 submissions from 2 submitters: Uncertain significance (2). Last evaluated 2025-08-28.

Conditions:
Inborn genetic diseases. Identifiers: MedGen C0950123, MeSH D030342.
Charcot-Marie-Tooth disease type 4. Also called: Charcot-Marie-Tooth disease, type IV; Charcot-Marie-Tooth, Type 4. Identifiers: Orphanet 64749, MedGen C4082197, MONDO:0018995.

Allele frequency attached by ClinVar (database versions not stated): TOPMed below 0.00001.
gnomAD v4.1: 3 of 1,613,766 alleles (0.00019%); highest among the groups gnomAD compares: Admixed American, 0.005%; no homozygotes.

Submissions (2):

Ambry Genetics
Classification: Uncertain significance for Inborn genetic diseases. Last evaluated: 2025-08-28. Review status: criteria provided, single submitter. Criteria: Ambry Variant Classification Scheme 2023. Collection method: clinical testing. Allele origin: germline.

Labcorp Genetics (formerly Invitae), Labcorp
Classification: Uncertain significance for Charcot-Marie-Tooth disease type 4. Last evaluated: 2022-05-24. Review status: criteria provided, single submitter. Criteria: Invitae Variant Classification Sherloc (09022015). Collection method: clinical testing. Allele origin: germline.
Comment: This sequence change replaces serine, which is neutral and polar, with asparagine, which is neutral and polar, at codon 439 of the FIG4 protein (p.Ser439Asn). This variant is present in population databases (no rsID available, gnomAD 0.006%). This variant has not been reported in the literature in individuals affected with FIG4-related conditions. Algorithms developed to predict the effect of missense changes on protein structure and function output the following: SIFT: "Tolerated"; PolyPhen-2: "Benign"; Align-GVGD: "Class C0". The asparagine amino acid residue is found in multiple mammalian species, which suggests that this missense change does not adversely affect protein function. In summary, the available evidence is currently insufficient to determine the role of this variant in disease. Therefore, it has been classified as a Variant of Uncertain Significance.

NM_014845.6(FIG4):c.1316G>A (p.Ser439Asn)

Gene: FIG4 (FIG4 phosphoinositide 5-phosphatase; plus strand). Cytogenetic location: 6q21.
Variant type: single nucleotide variant.
Coding change: c.1316G>A on transcript NM_014845.6 (MANE Select); coding-DNA position 1316, G replaced by A.
Protein change: p.Ser439Asn; replaces serine 439 with asparagine.
Molecular consequence: missense variant.
Genome position (GRCh38, 1-based): chr6:109,762,135, G>A. VCF-style: chr6-109762135-G-A. GRCh37 (hg19) VCF-style: chr6-110083338-G-A.
Other names: short protein forms S439N.
Identifiers: ClinVar variation 2173444 (VCV002173444.2), dbSNP rs1486703513, ClinGen allele CA365226157.
Genomic context (GRCh38, chr6:109,762,135, plus strand): 5'-TTCCTTCTCTCCTCAGCAAGCTGTGTAATGTTCTTGATCGACTAAATGTGATTGCAGAAA[G>A]TGTGGTGAAGAAAACAGGTTTCTTTGTAAACCGCCCTGATTCTTACTGTAGCATTTTGCG-3'
Protein context (NP_055660.1, residues 429-449): VLDRLNVIAE[Ser439Asn]VVKKTGFFVN